The following is an entry in ClinVar:

ClinVar aggregate classification (germline): Uncertain significance (1 of 4 stars; one submission).

Submission:

Labcorp Genetics (formerly Invitae), Labcorp
Classification: Uncertain significance. Last evaluated: 2025-08-11. Review status: criteria provided, single submitter. Criteria: Invitae Variant Classification Sherloc (09022015). Collection method: clinical testing. Allele origin: germline.
Comment: This sequence change replaces glutamic acid, which is acidic and polar, with glycine, which is neutral and non-polar, at codon 866 of the COL11A1 protein (p.Glu866Gly). This variant is not present in population databases (gnomAD no frequency). This variant has not been reported in the literature in individuals affected with COL11A1-related conditions. ClinVar contains an entry for this variant (Variation ID: 3667363). Invitae Evidence Modeling of protein sequence and biophysical properties (such as structural, functional, and spatial information, amino acid conservation, physicochemical variation, residue mobility, and thermodynamic stability) indicates that this missense variant is not expected to disrupt COL11A1 protein function with a negative predictive value of 80%. In summary, the available evidence is currently insufficient to determine the role of this variant in disease. Therefore, it has been classified as a Variant of Uncertain Significance.

NM_001854.4(COL11A1):c.2597A>G (p.Glu866Gly)

Gene: COL11A1 (collagen type XI alpha 1 chain; minus strand). Cytogenetic location: 1p21.1.
Variant type: single nucleotide variant.
Coding change: c.2597A>G on transcript NM_001854.4 (MANE Select); coding-DNA position 2597, A replaced by G.
Protein change: p.Glu866Gly; replaces glutamic acid 866 with glycine.
Molecular consequence: missense variant. On other transcripts: non-coding transcript variant (1).
Genome position (GRCh38, 1-based): chr1:102,979,395, T>C on the plus strand (A>G on the coding strand, the complement: COL11A1 is on the minus strand). VCF-style: chr1-102979395-T-C. GRCh37 (hg19) VCF-style: chr1-103444951-T-C.
Other names: c.2480A>G, p.Glu827Gly (NM_001190709.2); c.2633A>G, p.Glu878Gly (NM_080629.3); c.2249A>G, p.Glu750Gly (NM_080630.4); short protein forms E827G, E866G, E878G, E750G.
Identifiers: ClinVar variation 3667363 (VCV003667363.2).